The following is an entry in ClinVar:

NM_000038.6(APC):c.532-7G>T

Gene: APC (APC regulator of Wnt signaling pathway; plus strand). Cytogenetic location: 5q22.2.
Variant type: single nucleotide variant.
Coding change: c.532-7G>T on transcript NM_000038.6 (MANE Select); 7 bases into the intron before coding-DNA position 532, G replaced by T.
Molecular consequence: intron variant.
Genome position (GRCh38, 1-based): chr5:112,780,783, G>T. VCF-style: chr5-112780783-G-T. GRCh37 (hg19) VCF-style: chr5-112116480-G-T.
Other names: c.532-7G>T (NM_001354895.2, NM_001127510.3, NM_001354896.2 and 2 more transcripts); c.562-7G>T (NM_001354897.2, NM_001354902.2, NM_001127511.3); c.457-7G>T (NM_001354898.2, NM_001354904.2); c.-504-7G>T (NM_001354906.2); c.355-7G>T (NM_001354900.2, NM_001354901.2, NM_001354905.2).
Identifiers: ClinVar variation 537617 (VCV000537617.18), dbSNP rs1057520840, ClinGen allele CA561895117.

ClinVar aggregate classification (germline): Likely benign. Review status: criteria provided, multiple submitters, no conflicts (2 of 4 stars). 5 submissions from 5 submitters: Likely benign (4). 1 of the submissions does not count toward it. Last evaluated 2026-01-10.

Conditions:
Hereditary cancer-predisposing syndrome. Also called: Tumor predisposition; Hereditary Cancer Syndrome; Hereditary neoplastic syndrome; Neoplastic Syndromes, Hereditary. Identifiers: Orphanet 140162, MedGen C0027672, MeSH D009386, MONDO:0015356.
Classic or attenuated familial adenomatous polyposis. Identifiers: MedGen CN372698, MONDO:0021057.
APC-related disorder. Also called: APC-related condition.
Familial adenomatous polyposis 1 (FAP1). Also called: FAMILIAL ADENOMATOUS POLYPOSIS 1, ATTENUATED; POLYPOSIS, ADENOMATOUS INTESTINAL. Identifiers: MedGen C2713442, MONDO:0021056, OMIM 175100. Disease mechanism: loss of function.

Allele frequency attached by ClinVar (database versions not stated): TOPMed 0.00001.

Submissions (5):

Labcorp Genetics (formerly Invitae), Labcorp
Classification: Likely benign for Familial adenomatous polyposis 1. Last evaluated: 2026-01-10. Review status: criteria provided, single submitter. Criteria: Invitae Variant Classification Sherloc (09022015). Collection method: clinical testing. Allele origin: germline.

Myriad Genetics, Inc.
Classification: Likely benign for Familial adenomatous polyposis 1. Last evaluated: 2024-02-23. Review status: criteria provided, single submitter. Criteria: Myriad Autosomal Dominant, Autosomal Recessive and X-Linked Classification Criteria (2023). Collection method: clinical testing. Allele origin: unknown.
Comment: This variant is considered likely benign. This variant is intronic and is not expected to impact mRNA splicing.

All of Us Research Program, National Institutes of Health
Classification: Likely benign for Classic or attenuated familial adenomatous polyposis. Last evaluated: 2023-02-24. Review status: criteria provided, single submitter. Criteria: ACMG Guidelines, 2015. Collection method: clinical testing. Allele origin: germline. Inheritance: Autosomal dominant inheritance. Observed: 1 variant allele, 1 heterozygote.
Comment: This study involves interpretation of variants in research participants for the purpose of population health screening. Participant phenotype was not available at the time of variant classification. Additional details can be found in publication PMID: 35346344, PMCID: PMC8962531

Color Diagnostics, LLC DBA Color Health
Classification: Likely benign for Hereditary cancer-predisposing syndrome. Last evaluated: 2019-09-19. Review status: criteria provided, single submitter. Criteria: ACMG Guidelines, 2015. Collection method: clinical testing. Allele origin: germline.

PreventionGenetics, part of Exact Sciences
Classification: Likely benign for APC-related condition. Last evaluated: 2020-08-31. Review status: no assertion criteria provided. Collection method: clinical testing. Allele origin: germline. Not counted in ClinVar's aggregate classification.
Comment: This variant is classified as likely benign based on ACMG/AMP sequence variant interpretation guidelines (Richards et al. 2015 PMID: 25741868, with internal and published modifications).